The following is an entry in ClinVar:

ClinVar aggregate classification (germline): Benign/Likely benign. Review status: criteria provided, multiple submitters, no conflicts (2 of 4 stars). 3 submissions from 3 submitters: Benign (1); Likely benign (1). 1 of the submissions does not count toward it. Last evaluated 2019-12-31.

Conditions:
TGFBR3-related disorder. Also called: TGFBR3-related condition.
Familial thoracic aortic aneurysm and aortic dissection (TAAD). Also called: Thoracic aortic aneurysms and dissections. Identifiers: Orphanet 91387, MedGen C4707243, MONDO:0019625.

Allele frequency attached by ClinVar (database versions not stated): TOPMed 0.00128; 1000 Genomes Project 30x 0.00141; 1000 Genomes Project 0.00180; ESP Exome Variant Server 0.00223; gnomAD exomes 0.00309; gnomAD 0.00373 and 0.00396.
gnomAD v4.1: 5,023 of 1,611,870 alleles (0.31%); highest among the groups gnomAD compares: Non-Finnish European, 0.26%; 40 homozygotes.

Submissions (3):

Labcorp Genetics (formerly Invitae), Labcorp
Classification: Benign. Last evaluated: 2019-12-31. Review status: criteria provided, single submitter. Criteria: Invitae Variant Classification Sherloc (09022015). Collection method: clinical testing. Allele origin: germline.

Center for Human Genetics, Inc
Classification: Likely benign for Familial thoracic aortic aneurysm and aortic dissection. Last evaluated: 2016-11-01. Review status: criteria provided, single submitter. Criteria: ACMG Guidelines, 2015. Collection method: clinical testing. Allele origin: germline. Affected: yes.

PreventionGenetics, part of Exact Sciences
Classification: Likely benign for TGFBR3-related condition. Last evaluated: 2019-02-22. Review status: no assertion criteria provided. Collection method: clinical testing. Allele origin: germline. Not counted in ClinVar's aggregate classification.
Comment: This variant is classified as likely benign based on ACMG/AMP sequence variant interpretation guidelines (Richards et al. 2015 PMID: 25741868, with internal and published modifications).

NM_003243.5(TGFBR3):c.55A>G (p.Thr19Ala)

Gene: TGFBR3 (transforming growth factor beta receptor 3; minus strand). Cytogenetic location: 1p22.1.
Variant type: single nucleotide variant.
Coding change: c.55A>G on transcript NM_003243.5 (MANE Select); coding-DNA position 55, A replaced by G.
Protein change: p.Thr19Ala; replaces threonine 19 with alanine.
Molecular consequence: missense variant. On other transcripts: non-coding transcript variant (1).
Genome position (GRCh38, 1-based): chr1:91,861,477, T>C on the plus strand (A>G on the coding strand, the complement: TGFBR3 is on the minus strand). VCF-style: chr1-91861477-T-C. GRCh37 (hg19) VCF-style: chr1-92327034-T-C.
Other names: c.55A>G, p.Thr19Ala (NM_001195683.2, NM_001195684.1); short protein forms T19A.
Identifiers: ClinVar variation 547813 (VCV000547813.7), dbSNP rs147586574, ClinGen allele CA948191.